The following is an entry in ClinVar:

ClinVar aggregate classification (germline): Uncertain significance. Review status: criteria provided, multiple submitters, no conflicts (2 of 4 stars). 2 submissions from 2 submitters: Uncertain significance (2). Last evaluated 2025-06-08.

Conditions:
Hereditary cancer-predisposing syndrome. Also called: Hereditary neoplastic syndrome; Tumor predisposition; Neoplastic Syndromes, Hereditary; Hereditary Cancer Syndrome. Identifiers: Orphanet 140162, MedGen C0027672, MeSH D009386, MONDO:0015356.

gnomAD v4.1: 2 of 1,613,920 alleles (0.00012%); highest among the groups gnomAD compares: Non-Finnish European, 0.00017%; no homozygotes.

Submissions (2):

Ambry Genetics
Classification: Uncertain significance for Hereditary cancer-predisposing syndrome. Last evaluated: 2025-06-08. Review status: criteria provided, single submitter. Criteria: Ambry Variant Classification Scheme 2023. Collection method: clinical testing. Allele origin: germline.
Comment: The p.D643G variant (also known as c.1928A>G), located in coding exon 12 of the RAD50 gene, results from an A to G substitution at nucleotide position 1928. The aspartic acid at codon 643 is replaced by glycine, an amino acid with similar properties. This amino acid position is not well conserved in available vertebrate species. In addition, this alteration is predicted to be tolerated by in silico analysis. Since supporting evidence is limited at this time, the clinical significance of this alteration remains unclear.

Labcorp Genetics (formerly Invitae), Labcorp
Classification: Uncertain significance for Hereditary cancer-predisposing syndrome. Last evaluated: 2021-01-16. Review status: criteria provided, single submitter. Criteria: Invitae Variant Classification Sherloc (09022015). Collection method: clinical testing. Allele origin: germline.
Comment: In summary, the available evidence is currently insufficient to determine the role of this variant in disease. Therefore, it has been classified as a Variant of Uncertain Significance. Algorithms developed to predict the effect of missense changes on protein structure and function output the following: SIFT: "Tolerated"; PolyPhen-2: "Benign"; Align-GVGD: "Class C0". The glycine amino acid residue is found in multiple mammalian species, suggesting that this missense change does not adversely affect protein function. These predictions have not been confirmed by published functional studies and their clinical significance is uncertain. This variant has not been reported in the literature in individuals with RAD50-related conditions. This variant is not present in population databases (ExAC no frequency). This sequence change replaces aspartic acid with glycine at codon 643 of the RAD50 protein (p.Asp643Gly). The aspartic acid residue is weakly conserved and there is a moderate physicochemical difference between aspartic acid and glycine.

NM_005732.4(RAD50):c.1928A>G (p.Asp643Gly)

Gene: RAD50 (RAD50 double strand break repair protein; plus strand). Cytogenetic location: 5q31.1.
Variant type: single nucleotide variant.
Coding change: c.1928A>G on transcript NM_005732.4 (MANE Select); coding-DNA position 1928, A replaced by G.
Protein change: p.Asp643Gly; replaces aspartic acid 643 with glycine.
Molecular consequence: missense variant.
Genome position (GRCh38, 1-based): chr5:132,595,003, A>G. VCF-style: chr5-132595003-A-G. GRCh37 (hg19) VCF-style: chr5-131930695-A-G.
Other names: short protein forms D643G.
Identifiers: ClinVar variation 1502873 (VCV001502873.11), dbSNP rs1750764737, ClinGen allele CA360948316.
Genomic context (GRCh38, chr5:132,595,003, plus strand): 5'-CCAGTTACGAAGACAAGCTGTTTGATGTTTGTGGTAGCCAGGATTTTGAAAGTGATTTAG[A>G]CAGGCTTAAAGAGGAAATTGAAAAATCATCAAAACAGCGAGGTAAGTTGTCTACTTTATA-3'
Protein context (NP_005723.2, residues 633-653): CGSQDFESDL[Asp643Gly]RLKEEIEKSS